The following is an entry in ClinVar:

ClinVar aggregate classification (germline): Benign/Likely benign. Review status: criteria provided, multiple submitters, no conflicts (2 of 4 stars). 3 submissions from 3 submitters: Benign (1); Likely benign (2). Last evaluated 2024-12-17.

Conditions:
Familial hypobetalipoproteinemia 1. Also called: APOB-Related Familial Hypobetalipoproteinemia; Hypobetalipoproteinemia, normotriglyceridemic; Acanthocytosis with hypobetalipoproteinemia. Identifiers: MedGen C4551990, MONDO:0014252, OMIM 615558.
Hypercholesterolemia, autosomal dominant, type B (FHCL2). Also called: APOLIPOPROTEIN B-100, FAMILIAL DEFECTIVE; APOLIPOPROTEIN B-100, FAMILIAL LIGAND-DEFECTIVE; Hyperlipoproteinemia Type IIb; Familial hypercholesterolemia 2; HYPERCHOLESTEROLEMIA, FAMILIAL, DUE TO LIGAND-DEFECTIVE APOLIPOPROTEIN B; Familial Hypercholesterolemia Type B. Identifiers: MedGen C1704417, MONDO:0007751, OMIM 144010.
Cardiovascular phenotype. Identifiers: MedGen CN230736.

Allele frequency attached by ClinVar (database versions not stated): TOPMed 0.00001; ExAC 0.00002; gnomAD exomes 0.00002 and 0.00004.
gnomAD v4.1: 11 of 1,614,184 alleles (0.00068%); highest among the groups gnomAD compares: East Asian, 0.025%; no homozygotes.

Submissions (3):

Ambry Genetics
Classification: Likely benign for Cardiovascular phenotype. Last evaluated: 2024-12-17. Review status: criteria provided, single submitter. Criteria: Ambry Variant Classification Scheme 2023. Collection method: clinical testing. Allele origin: germline.

Labcorp Genetics (formerly Invitae), Labcorp
Classification: Benign for Familial hypobetalipoproteinemia 1; Hypercholesterolemia, autosomal dominant, type B. Last evaluated: 2023-02-14. Review status: criteria provided, single submitter. Criteria: Invitae Variant Classification Sherloc (09022015). Collection method: clinical testing. Allele origin: germline.

CeGaT Center for Human Genetics Tuebingen
Classification: Likely benign. Last evaluated: 2023-02-01. Review status: criteria provided, single submitter. Criteria: CeGaT Center For Human Genetics Tuebingen Variant Classification Criteria Version 2. Collection method: clinical testing. Allele origin: germline. Affected: yes. Observed: 1 variant allele.
Comment: APOB: BP4, BS2

NM_000384.3(APOB):c.1992T>G (p.Asn664Lys)

Gene: APOB (apolipoprotein B; minus strand). Cytogenetic location: 2p24.1.
Variant type: single nucleotide variant.
Coding change: c.1992T>G on transcript NM_000384.3 (MANE Select); coding-DNA position 1992, T replaced by G.
Protein change: p.Asn664Lys; replaces asparagine 664 with lysine.
Molecular consequence: missense variant.
Genome position (GRCh38, 1-based): chr2:21,027,903, A>C on the plus strand (T>G on the coding strand, the complement: APOB is on the minus strand). VCF-style: chr2-21027903-A-C. GRCh37 (hg19) VCF-style: chr2-21250775-A-C.
Other names: short protein forms N664K.
Identifiers: ClinVar variation 854674 (VCV000854674.36), dbSNP rs777320899, ClinGen allele CA054982.